The following is an entry in ClinVar:

ClinVar aggregate classification (germline): Likely benign (1 of 4 stars; one submission).

Conditions:
TLN1-related disorder. Also called: TLN1-related condition.

gnomAD v4.1: 20 of 1,613,924 alleles (0.0012%); highest among the groups gnomAD compares: African/African-American, 0.024%; no homozygotes.

Submission:

PreventionGenetics, part of Exact Sciences
Classification: Likely benign for TLN1-related condition. Last evaluated: 2025-03-28. Review status: criteria provided, single submitter. Criteria: ACMG Guidelines, 2015. Collection method: clinical testing. Allele origin: germline.
Comment: This variant is classified as likely benign based on ACMG/AMP sequence variant interpretation guidelines (Richards et al. 2015 PMID: 25741868, with internal and published modifications).

NM_006289.4(TLN1):c.3609A>C (p.Leu1203=)

Genes: TLN1 (talin 1; minus strand), LOC130001718 (ATAC-STARR-seq lymphoblastoid active region 28332; plus strand). Cytogenetic location: 9p13.3.
Variant type: single nucleotide variant.
Coding change: c.3609A>C on transcript NM_006289.4 (MANE Select); coding-DNA position 3609, A replaced by C.
Protein change: p.Leu1203=; no amino-acid change (leucine 1203 retained).
Molecular consequence: synonymous variant.
Genome position (GRCh38, 1-based): chr9:35,712,077, T>G on the plus strand (A>C on the coding strand, the complement: TLN1 is on the minus strand). VCF-style: chr9-35712077-T-G. GRCh37 (hg19) VCF-style: chr9-35712074-T-G.
Identifiers: ClinVar variation 4989576 (VCV004989576.1).
Genomic context (GRCh38, chr9:35,712,077, plus strand): 5'-GAGTCGCTTGCTGGCATCTCCAACTGCCCTCAGGGCATTATCCACATCGCGCTGGCCAGG[T>G]AGGCAGCTGACACAGCGGTTCAGAGCCTGGGTCACTGCTTTAGCCACCTGGGGTGAGAAA-3'
Protein context (NP_006280.3, residues 1193-1213): TQALNRCVSC[Leu1203=]PGQRDVDNAL